The following is an entry in ClinVar:

ClinVar aggregate classification (germline): Benign (1 of 4 stars; one submission).

Conditions:
KIF26A-related condition.

gnomAD v4.1: 628,309 of 1,594,576 alleles (39%); highest among the groups gnomAD compares: African/African-American, 57%; 126,962 homozygotes.

Submission:

PreventionGenetics, part of Exact Sciences
Classification: Benign for KIF26A-related condition. Last evaluated: 2024-10-21. Review status: criteria provided, single submitter. Criteria: ACMG Guidelines, 2015. Collection method: clinical testing. Allele origin: germline.
Comment: This variant is classified as benign based on ACMG/AMP sequence variant interpretation guidelines (Richards et al. 2015 PMID: 25741868, with internal and published modifications).

NM_015656.2(KIF26A):c.4296T>C (p.Leu1432=)

Gene: KIF26A (kinesin family member 26A; plus strand). Cytogenetic location: 14q32.33.
Variant type: single nucleotide variant.
Coding change: c.4296T>C on transcript NM_015656.2 (MANE Select); coding-DNA position 4296, T replaced by C.
Protein change: p.Leu1432=; no amino-acid change (leucine 1432 retained).
Molecular consequence: synonymous variant.
Genome position (GRCh38, 1-based): chr14:104,177,084, T>C. VCF-style: chr14-104177084-T-C. GRCh37 (hg19) VCF-style: chr14-104643421-T-C.
Identifiers: ClinVar variation 4978313 (VCV004978313.1).
Genomic context (GRCh38, chr14:104,177,084, plus strand): 5'-CCCCAGGGCCACGTCCAGCCTGAAGGCCCGGGCCAGCAAGGTAGAAGCAGCACACCGTCT[T>C]GCCGGACACGCGTCTCTGGAGCGGTACGAAGGCCTGGCGCACAGCAGCAGCAAGGGCCGG-3'
Protein context (NP_056471.1, residues 1422-1442): RASKVEAAHR[Leu1432=]AGHASLERYE